The following is an entry in ClinVar:

ClinVar aggregate classification (germline): Uncertain significance (1 of 4 stars; one submission).

Conditions:
Developmental and epileptic encephalopathy, 27 (DEE27). Also called: Epileptic encephalopathy, early infantile, 27; GRIN2B-Related Neurodevelopmental Disorder. Identifiers: Orphanet 3451, MedGen C4015316, MONDO:0014505, OMIM 616139.

Allele frequency attached by ClinVar (database versions not stated): gnomAD exomes below 0.00001 and 0.00001.
gnomAD v4.1: 3 of 1,614,064 alleles (0.00019%); highest among the groups gnomAD compares: South Asian, 0.0033%; no homozygotes.

Submission:

Neuberg Centre For Genomic Medicine, NCGM
Classification: Uncertain significance for Developmental and epileptic encephalopathy, 27. Review status: criteria provided, single submitter. Criteria: ACMG Guidelines, 2015. Collection method: clinical testing. Allele origin: germline. Affected: yes.
Comment: The missense variant p.G1211E in GRIN2B (NM_000834.4) has not been reported previously as a pathogenic variant nor as a benign variant, to our knowledge. It is observed in 1/30608 (0.0033%) alleles from individuals of South Asian background in the gnomAD dataset (Exome Aggregation Consortium et al, 2016), but was not seen in the homozygous state. There is a moderate physicochemical difference between glycine and glutamic acid. The p.G1211E missense variant is predicted to be damaging by both SIFT and PolyPhen2. The nucleotide c.3632 in GRIN2B is predicted conserved by GERP++ and PhyloP across 100 vertebrates. For these reasons, this variant has been classified as Uncertain Significance. Parental analysis for the above variant is recommended.

NM_000834.5(GRIN2B):c.3632G>A (p.Gly1211Glu)

Gene: GRIN2B (glutamate ionotropic receptor NMDA type subunit 2B; minus strand). Cytogenetic location: 12p13.1.
Variant type: single nucleotide variant.
Coding change: c.3632G>A on transcript NM_000834.5 (MANE Select); coding-DNA position 3632, G replaced by A.
Protein change: p.Gly1211Glu; replaces glycine 1211 with glutamic acid.
Molecular consequence: missense variant.
Genome position (GRCh38, 1-based): chr12:13,563,606, C>T on the plus strand (G>A on the coding strand, the complement: GRIN2B is on the minus strand). VCF-style: chr12-13563606-C-T. GRCh37 (hg19) VCF-style: chr12-13716540-C-T.
Other names: short protein forms G1211E.
Identifiers: ClinVar variation 1339218 (VCV001339218.2), dbSNP rs1255161034, ClinGen allele CA383988030.